The following is an entry in ClinVar:

ClinVar aggregate classification (germline): Pathogenic (1 of 4 stars; one submission).

Conditions:
Craniofacial dysmorphism, skeletal anomalies, and impaired intellectual development 1 (CFSMR1). Also called: Cerebrofaciothoracic dysplasia. Identifiers: Orphanet 1394, MedGen C5677021, MONDO:0800436, OMIM 213980.

Submission:

Lupski Lab, Baylor-Hopkins CMG, Baylor College of Medicine
Classification: Pathogenic for Craniofacial dysmorphism, skeletal anomalies, and impaired intellectual development 1. Last evaluated: 2014-01-15. Review status: criteria provided, single submitter. Criteria: Pehlivan_EJHG_2014_TMCO1. Collection method: research. Allele origin: inherited. Inheritance: Autosomal recessive inheritance. Affected: yes and no. Observed: 3 variant alleles, 2 heterozygotes, 1 homozygote.
Comment: RNA demonstrates missplicing due to intronic variant (Skipping of exon 5)

Literature cited by the submitters: PMC 4135405.

NM_019026.6(TMCO1):c.323+3G>C

Gene: TMCO1 (transmembrane and coiled-coil domains 1; minus strand). Cytogenetic location: 1q24.1.
Variant type: single nucleotide variant.
Coding change: c.323+3G>C on transcript NM_019026.6 (MANE Select); 3 bases into the intron after coding-DNA position 323, G replaced by C.
Molecular consequence: intron variant.
Genome position (GRCh38, 1-based): chr1:165,752,099, C>G on the plus strand (G>C on the coding strand, the complement: TMCO1 is on the minus strand). VCF-style: chr1-165752099-C-G. GRCh37 (hg19) VCF-style: chr1-165721336-C-G.
Other names: c.374+3G>C (NM_001256164.1); c.287+3G>C (NM_001256165.1).
Identifiers: ClinVar variation 218899 (VCV000218899.3), dbSNP rs372701032, ClinGen allele CA339648.